The following is an entry in ClinVar:

NM_005445.4(SMC3):c.2086C>G (p.Leu696Val)

Gene: SMC3 (structural maintenance of chromosomes 3; plus strand). Cytogenetic location: 10q25.2.
Variant type: single nucleotide variant.
Coding change: c.2086C>G on transcript NM_005445.4 (MANE Select); coding-DNA position 2086, C replaced by G.
Protein change: p.Leu696Val; replaces leucine 696 with valine.
Molecular consequence: missense variant.
Genome position (GRCh38, 1-based): chr10:110,596,520, C>G. VCF-style: chr10-110596520-C-G. GRCh37 (hg19) VCF-style: chr10-112356278-C-G.
Other names: short protein forms L696V.
Identifiers: ClinVar variation 3600537 (VCV003600537.1).

ClinVar aggregate classification (germline): Uncertain significance (1 of 4 stars; one submission).

Conditions:
Cornelia de Lange syndrome 3 (CDLS3). Also called: SMC3-Related Cornelia de Lange Syndrome; CORNELIA DE LANGE SYNDROME 3 WITH OR WITHOUT MIDLINE BRAIN DEFECTS. Identifiers: Orphanet 199, MedGen C1853099, MONDO:0012555, OMIM 610759.

Submission:

Clinical Genomics Laboratory, Washington University in St. Louis
Classification: Uncertain significance for Cornelia de Lange syndrome 3. Last evaluated: 2024-06-07. Review status: criteria provided, single submitter. Criteria: ACMG Guidelines, 2015. Collection method: clinical testing. Allele origin: germline.
Comment: The SMC3 c.2086C>G (p.Leu696Val) variant, to our knowledge, has not been reported in the medical literature. This variant is absent from the general population (gnomAD v.2.1.1), indicating it is not a common variant. Computational predictors are uncertain as to the impact of this variant on SMC3 as a missense variant, however, computational predictors indicate that this variant would alter splicing, evidence that correlates to an impact of this variant SMC3 function. Due to limited information, and based on ACMG/AMP guidelines for variant interpretation (Richards S et al., PMID: 25741868), the clinical significance of this variant is uncertain at this time.